The following is an entry in ClinVar:

ClinVar aggregate classification (germline): Uncertain significance. Review status: criteria provided, multiple submitters, no conflicts (2 of 4 stars). 2 submissions from 2 submitters: Uncertain significance (2). Last evaluated 2023-10-10.

Conditions:
Loeys-Dietz syndrome 4 (LDS4). Also called: ANEURYSM, AORTIC AND CEREBRAL, WITH ARTERIAL TORTUOSITY AND SKELETAL MANIFESTATIONS; TGFB2-Related Loeys-Dietz Syndrome. Identifiers: MedGen C3553762, MONDO:0013897, OMIM 614816.
Familial thoracic aortic aneurysm and aortic dissection (TAAD). Also called: Thoracic aortic aneurysms and dissections. Identifiers: Orphanet 91387, MedGen C4707243, MONDO:0019625.

Submissions (2):

Ambry Genetics
Classification: Uncertain significance for Familial thoracic aortic aneurysm and aortic dissection. Last evaluated: 2023-10-10. Review status: criteria provided, single submitter. Criteria: Ambry Variant Classification Scheme 2023. Collection method: clinical testing. Allele origin: germline.
Comment: The p.A82T variant (also known as c.244G>A), located in coding exon 1 of the TGFB2 gene, results from a G to A substitution at nucleotide position 244. The alanine at codon 82 is replaced by threonine, an amino acid with similar properties. This amino acid position is conserved. In addition, this alteration is predicted to be tolerated by in silico analysis. Since supporting evidence is limited at this time, the clinical significance of this alteration remains unclear.

Labcorp Genetics (formerly Invitae), Labcorp
Classification: Uncertain significance for Loeys-Dietz syndrome 4. Last evaluated: 2022-02-03. Review status: criteria provided, single submitter. Criteria: Invitae Variant Classification Sherloc (09022015). Collection method: clinical testing. Allele origin: germline.
Comment: This sequence change replaces alanine, which is neutral and non-polar, with threonine, which is neutral and polar, at codon 82 of the TGFB2 protein (p.Ala82Thr). This variant is not present in population databases (gnomAD no frequency). This variant has not been reported in the literature in individuals affected with TGFB2-related conditions. Advanced modeling of protein sequence and biophysical properties (such as structural, functional, and spatial information, amino acid conservation, physicochemical variation, residue mobility, and thermodynamic stability) performed at Invitae indicates that this missense variant is not expected to disrupt TGFB2 protein function. In summary, the available evidence is currently insufficient to determine the role of this variant in disease. Therefore, it has been classified as a Variant of Uncertain Significance.

NM_003238.6(TGFB2):c.244G>A (p.Ala82Thr)

Gene: TGFB2 (transforming growth factor beta 2; plus strand). Cytogenetic location: 1q41.
Variant type: single nucleotide variant.
Coding change: c.244G>A on transcript NM_003238.6 (MANE Select); coding-DNA position 244, G replaced by A.
Protein change: p.Ala82Thr; replaces alanine 82 with threonine.
Molecular consequence: missense variant. On other transcripts: non-coding transcript variant (2).
Genome position (GRCh38, 1-based): chr1:218,346,945, G>A. VCF-style: chr1-218346945-G-A. GRCh37 (hg19) VCF-style: chr1-218520287-G-A.
Other names: c.244G>A (NM_003238.3); c.244G>A, p.Ala82Thr (NM_001135599.4); short protein forms A82T.
Identifiers: ClinVar variation 2194309 (VCV002194309.2), dbSNP rs1426532619, ClinGen allele CA344725606.
Genomic context (GRCh38, chr1:218,346,945, plus strand): 5'-GAAGTCCCCCCGGAGGTGATTTCCATCTACAACAGCACCAGGGACTTGCTCCAGGAGAAG[G>A]CGAGCCGGAGGGCGGCCGCCTGCGAGCGCGAGAGGAGCGACGAAGAGTACTACGCCAAGG-3'
Protein context (NP_003229.1, residues 72-92): NSTRDLLQEK[Ala82Thr]SRRAAACERE